The following is an entry in ClinVar:

NM_000435.3(NOTCH3):c.8C>T (p.Pro3Leu)

Gene: NOTCH3 (notch receptor 3; minus strand). Cytogenetic location: 19p13.12.
Variant type: single nucleotide variant.
Coding change: c.8C>T on transcript NM_000435.3 (MANE Select); coding-DNA position 8, C replaced by T.
Protein change: p.Pro3Leu; replaces proline 3 with leucine.
Molecular consequence: missense variant.
Genome position (GRCh38, 1-based): chr19:15,200,898, G>A on the plus strand (C>T on the coding strand, the complement: NOTCH3 is on the minus strand). VCF-style: chr19-15200898-G-A. GRCh37 (hg19) VCF-style: chr19-15311709-G-A.
Other names: p.Pro3Leu; short protein forms P3L.
Identifiers: ClinVar variation 3911375 (VCV003911375.2).

ClinVar aggregate classification (germline): Conflicting classifications of pathogenicity. Review status: criteria provided, conflicting classifications (1 of 4 stars). 2 submissions from 2 submitters: Uncertain significance (1); Likely benign (1). Last evaluated 2025-02-16.

Submissions (2):

Laboratory of Genetics, Children's Clinical University Hospital Latvia
Classification: Likely benign. Last evaluated: 2025-02-16. Review status: criteria provided, single submitter. Criteria: ACMG Guidelines, 2015. Collection method: clinical testing. Allele origin: germline. Affected: yes.

Mayo Clinic Laboratories, Mayo Clinic
Classification: Uncertain significance. Last evaluated: 2024-11-01. Review status: criteria provided, single submitter. Criteria: ACMG Guidelines, 2015. Collection method: clinical testing. Allele origin: germline. Observed: 1 variant allele.
Comment: BP4